The following is an entry in ClinVar:

NM_000939.4(POMC):c.599G>A (p.Gly200Glu)

Gene: POMC (proopiomelanocortin; minus strand). Cytogenetic location: 2p23.3.
Variant type: single nucleotide variant.
Coding change: c.599G>A on transcript NM_000939.4 (MANE Select); coding-DNA position 599, G replaced by A.
Protein change: p.Gly200Glu; replaces glycine 200 with glutamic acid.
Molecular consequence: missense variant.
Genome position (GRCh38, 1-based): chr2:25,161,286, C>T on the plus strand (G>A on the coding strand, the complement: POMC is on the minus strand). VCF-style: chr2-25161286-C-T. GRCh37 (hg19) VCF-style: chr2-25384155-C-T.
Other names: c.599G>A, p.Gly200Glu (NM_001035256.3, NM_001319204.2, NM_001319205.2); short protein forms G200E.
Identifiers: ClinVar variation 2003812 (VCV002003812.4), dbSNP rs2465543892, ClinGen allele CA346066454.
Genomic context (GRCh38, chr2:25,161,286, plus strand): 5'-GGGCCCTCGTCCTTCTTCTCGGCCGCCACCAGCAGGCTGTGCTCCAGGTCGGCCTGGGCC[C>T]CTGCGCCGTCATCGGCAGGGCCGTCGGGGCCATCTCCCTCCCGGAGTCGCTGGCCAGTCA-3'
Protein context (NP_000930.1, residues 190-210): GPDGPADDGA[Gly200Glu]AQADLEHSLL

ClinVar aggregate classification (germline): Uncertain significance (1 of 4 stars; one submission).

Submission:

Labcorp Genetics (formerly Invitae), Labcorp
Classification: Uncertain significance. Last evaluated: 2022-09-01. Review status: criteria provided, single submitter. Criteria: Invitae Variant Classification Sherloc (09022015). Collection method: clinical testing. Allele origin: germline.
Comment: This variant is not present in population databases (gnomAD no frequency). This sequence change replaces glycine, which is neutral and non-polar, with glutamic acid, which is acidic and polar, at codon 200 of the POMC protein (p.Gly200Glu). This variant has not been reported in the literature in individuals affected with POMC-related conditions. In summary, the available evidence is currently insufficient to determine the role of this variant in disease. Therefore, it has been classified as a Variant of Uncertain Significance. Algorithms developed to predict the effect of missense changes on protein structure and function output the following: SIFT: "Not Available"; PolyPhen-2: "Benign"; Align-GVGD: "Not Available". The glutamic acid amino acid residue is found in multiple mammalian species, which suggests that this missense change does not adversely affect protein function.